The following is an entry in ClinVar:

ClinVar aggregate classification (germline): Pathogenic (1 of 4 stars; one submission).

Conditions:
Multiple acyl-CoA dehydrogenase deficiency (MADD). Also called: Glutaric Acidemia type 2; ETHYLMALONIC-ADIPICACIDURIA; GA II; Glutaric aciduria, type 2; Glutaric acidemia type II; GA 2. Identifiers: Orphanet 26791, MedGen C0268596, MONDO:0009282, OMIM 231680.

Submission:

Labcorp Genetics (formerly Invitae), Labcorp
Classification: Pathogenic for Multiple acyl-CoA dehydrogenase deficiency. Last evaluated: 2022-07-03. Review status: criteria provided, single submitter. Criteria: Invitae Variant Classification Sherloc (09022015). Collection method: clinical testing. Allele origin: germline.
Comment: For these reasons, this variant has been classified as Pathogenic. This sequence change creates a premature translational stop signal (p.Pro157Serfs*12) in the ETFDH gene. It is expected to result in an absent or disrupted protein product. Loss-of-function variants in ETFDH are known to be pathogenic (PMID: 16510302, 23785301). This variant is not present in population databases (gnomAD no frequency). This variant has not been reported in the literature in individuals affected with ETFDH-related conditions.

Literature cited by the submitters: PubMed 16510302; PubMed 23785301.

NM_004453.4(ETFDH):c.468dup (p.Pro157fs)

Gene: ETFDH (electron transfer flavoprotein dehydrogenase; plus strand). Cytogenetic location: 4q32.1.
Variant type: Duplication.
Coding change: c.468dup on transcript NM_004453.4 (MANE Select); coding-DNA position 468, one base duplicated (T; older notation c.468dupT).
Protein change: p.Pro157fs; shifts the reading frame from proline 157.
Molecular consequence: frameshift variant.
Genome position (GRCh38, 1-based): chr4:158,684,654, T duplicated; the last of 2 consecutive T bases (chr4:158,684,653-158,684,654); duplicating either gives the same sequence. VCF-style (leftmost placement, unchanged base first): chr4-158684652-A-AT. GRCh37 (hg19) VCF-style: chr4-159605804-A-AT.
Other names: c.327dup, p.Pro110fs (NM_001281737.2); c.285dup, p.Pro96fs (NM_001281738.1); short protein forms P96fs, P110fs, P157fs.
Identifiers: ClinVar variation 2010785 (VCV002010785.4), dbSNP rs2479086220, ClinGen allele CA2580071646.